The following is an entry in ClinVar:

NM_006662.3(SRCAP):c.5473G>A (p.Val1825Ile)

Gene: SRCAP (Snf2 related CREBBP activator protein; plus strand). Cytogenetic location: 16p11.2.
Variant type: single nucleotide variant.
Coding change: c.5473G>A on transcript NM_006662.3 (MANE Select); coding-DNA position 5473, G replaced by A.
Protein change: p.Val1825Ile; replaces valine 1825 with isoleucine.
Molecular consequence: missense variant.
Genome position (GRCh38, 1-based): chr16:30,724,897, G>A. VCF-style: chr16-30724897-G-A. GRCh37 (hg19) VCF-style: chr16-30736218-G-A.
Other names: short protein forms V1825I.
Identifiers: ClinVar variation 5000160 (VCV005000160.1).
Genomic context (GRCh38, chr16:30,724,897, plus strand): 5'-ACCTTGGCGCTGGCCCCAGCCTCCACACAGTCCCCAGCTTCCCAGGCATCTTCCCTTGTG[G>A]TTTCGGCATCTGGTGCCGCTCCCTTGCCTGTCACCATGGTATCCCGGCTGCCTGTTTCCA-3'
Protein context (NP_006653.2, residues 1815-1835): SPASQASSLV[Val1825Ile]SASGAAPLPV

ClinVar aggregate classification (germline): Uncertain significance (1 of 4 stars; one submission).

Conditions:
SRCAP-related disorder. Also called: SRCAP-related condition.

Submission:

PreventionGenetics, part of Exact Sciences
Classification: Uncertain significance for SRCAP-related condition. Last evaluated: 2025-07-24. Review status: criteria provided, single submitter. Criteria: ACMG Guidelines, 2015. Collection method: clinical testing. Allele origin: germline.
Comment: The SRCAP c.5473G>A variant is predicted to result in the amino acid substitution p.Val1825Ile. To our knowledge, this variant has not been reported in the literature or in a large population database (gnomAD), indicating this variant is rare. At this time, the clinical significance of this variant is uncertain due to the absence of conclusive functional and genetic evidence.